The following is an entry in ClinVar:

NM_001164508.2(NEB):c.5623A>G (p.Met1875Val)

Gene: NEB (nebulin; minus strand). Cytogenetic location: 2q23.3.
Variant type: single nucleotide variant.
Coding change: c.5623A>G on transcript NM_001164508.2 (MANE Select); coding-DNA position 5623, A replaced by G.
Protein change: p.Met1875Val; replaces methionine 1875 with valine.
Molecular consequence: missense variant.
Genome position (GRCh38, 1-based): chr2:151,663,688, T>C on the plus strand (A>G on the coding strand, the complement: NEB is on the minus strand). VCF-style: chr2-151663688-T-C. GRCh37 (hg19) VCF-style: chr2-152520202-T-C.
Other names: c.5623A>G, p.Met1875Val (NM_001164507.2, NM_001271208.2, NM_004543.5); short protein forms M1875V.
Identifiers: ClinVar variation 331504 (VCV000331504.12), dbSNP rs201940342, ClinGen allele CA1910327.

ClinVar aggregate classification (germline): Conflicting classifications of pathogenicity. Review status: criteria provided, conflicting classifications (1 of 4 stars). 4 submissions from 4 submitters: Uncertain significance (2); Benign (1). 1 of the submissions does not count toward it. Last evaluated 2025-12-28.

Conditions:
Nemaline myopathy 2 (NEM2). Also called: Nemaline myopathy 2, autosomal recessive. Identifiers: MedGen C1850569, MONDO:0009725, OMIM 256030.

Allele frequency attached by ClinVar (database versions not stated): gnomAD 0.00003; gnomAD exomes 0.00003 and 0.00009; TOPMed 0.00003; ExAC 0.00008; ESP Exome Variant Server 0.00008.

Submissions (4):

Labcorp Genetics (formerly Invitae), Labcorp
Classification: Benign for Nemaline myopathy 2. Last evaluated: 2025-12-28. Review status: criteria provided, single submitter. Criteria: Invitae Variant Classification Sherloc (09022015). Collection method: clinical testing. Allele origin: germline.

Women's Health and Genetics/Laboratory Corporation of America, LabCorp
Classification: Uncertain significance. Last evaluated: 2024-04-10. Review status: criteria provided, single submitter. Criteria: LabCorp Variant Classification Summary - May 2015. Collection method: clinical testing. Allele origin: germline.
Comment: Variant summary: NEB c.5623A>G (p.Met1875Val) results in a conservative amino acid change in the encoded protein sequence. Two of four in-silico tools predict a benign effect of the variant on protein function. The variant allele was found at a frequency of 9.2e-05 in 248932 control chromosomes. This frequency is not significantly higher than estimated for a pathogenic variant in NEB causing Nemaline Myopathy 2 (9.2e-05 vs 0.0035), allowing no conclusion about variant significance. To our knowledge, no occurrence of c.5623A>G in individuals affected with Nemaline Myopathy 2 and no experimental evidence demonstrating its impact on protein function have been reported. ClinVar contains an entry for this variant (Variation ID: 331504). Based on the evidence outlined above, the variant was classified as uncertain significance.

Illumina Laboratory Services, Illumina
Classification: Uncertain significance for Nemaline myopathy 2. Last evaluated: 2018-01-13. Review status: criteria provided, single submitter. Criteria: ICSL Variant Classification Criteria 13 December 2019. Collection method: clinical testing. Allele origin: germline.

Natera, Inc.
Classification: Uncertain significance for Nemaline myopathy type 2. Last evaluated: 2020-01-17. Review status: no assertion criteria provided. Collection method: clinical testing. Allele origin: germline. Not counted in ClinVar's aggregate classification.